The following is an entry in ClinVar:

ClinVar aggregate classification (germline): Pathogenic. Review status: criteria provided, multiple submitters, no conflicts (2 of 4 stars). 4 submissions from 4 submitters: Pathogenic (3). 1 of the submissions does not count toward it. Last evaluated 2025-05-11.
ClinVar aggregate classification (somatic clinical impact): Tier II - Potential (0 of 4 stars; one submission).
ClinVar aggregate classification (oncogenicity): Likely oncogenic (1 of 4 stars; one submission).

Conditions:
Familial thoracic aortic aneurysm and aortic dissection (TAAD). Also called: Thoracic aortic aneurysms and dissections. Identifiers: Orphanet 91387, MedGen C4707243, MONDO:0019625.
Hereditary cancer-predisposing syndrome. Also called: Neoplastic Syndromes, Hereditary; Hereditary neoplastic syndrome; Tumor predisposition; Hereditary Cancer Syndrome. Identifiers: Orphanet 140162, MedGen C0027672, MeSH D009386, MONDO:0015356.
Juvenile polyposis syndrome (JPS). Identifiers: Orphanet 2929, MedGen C0345893, MONDO:0017380, OMIM 174900.
Generalized juvenile polyposis/juvenile polyposis coli. Also called: Juvenile polyposis coli. Identifiers: Orphanet 329971, MedGen C1868081, MONDO:0008276.
Colorectal cancer. Also called: Colorectal cancer, somatic; Malignant Colorectal Neoplasm. Identifiers: MedGen C0346629, MONDO:0005575, OMIM 114500.
Neoplasm. Also called: Neoplasms; Neoplasm (disease); tumor. Identifiers: MedGen C0027651, MeSH D009369, MONDO:0005070, HP:0002664.

Submissions (6):

Labcorp Genetics (formerly Invitae), Labcorp
Classification: Pathogenic for Juvenile polyposis syndrome. Last evaluated: 2025-05-11. Review status: criteria provided, single submitter. Criteria: Invitae Variant Classification Sherloc (09022015). Collection method: clinical testing. Allele origin: germline.
Comment: This sequence change creates a premature translational stop signal (p.Gln388*) in the SMAD4 gene. It is expected to result in an absent or disrupted protein product. Loss-of-function variants in SMAD4 are known to be pathogenic (PMID: 16152648, 16436638, 22810475). This variant is not present in population databases (gnomAD no frequency). This premature translational stop signal has been observed in individual(s) with juvenile polyposis syndrome (PMID: 10797267, 22316667). ClinVar contains an entry for this variant (Variation ID: 24842). For these reasons, this variant has been classified as Pathogenic.

Ambry Genetics
Classification: Pathogenic for Hereditary cancer-predisposing syndrome; Familial thoracic aortic aneurysm and aortic dissection. Last evaluated: 2025-04-22. Review status: criteria provided, single submitter. Criteria: Ambry Variant Classification Scheme 2023. Collection method: clinical testing. Allele origin: germline.
Comment: The p.Q388* pathogenic mutation (also known as c.1162C>T), located in coding exon 9 of the SMAD4 gene, results from a C to T substitution at nucleotide position 1162. This changes the amino acid from a glutamine to a stop codon within coding exon 9. This variant was reported in individual(s) with features consistent with juvenile polyposis syndrome (JPS) (Kim IJ et al. Int J Cancer, 2000 May;86:529-32; Sayed MG et al. Ann Surg Oncol, 2002 Nov;9:901-6). In a luciferase activity assay this variant demonstrated a 52% reduction in luciferase activity compared to wild-type (Carr JC et al. J Surg Res, 2012 May;174:211-4). This variant is considered to be rare based on population cohorts in the Genome Aggregation Database (gnomAD). In addition to the clinical data presented in the literature, this alteration is expected to result in loss of function by premature protein truncation or nonsense-mediated mRNA decay. As such, this alteration is interpreted as a disease-causing mutation.

Center for Genomic Medicine, Rigshospitalet, Copenhagen University Hospital
Classification: Likely oncogenic for Neoplasm. Last evaluated: 2025-03-04. Review status: criteria provided, single submitter. Criteria: ClinGen/CGC/VICC Guidelines for Oncogenicity, 2022. Collection method: clinical testing. Allele origin: somatic. Affected: yes.

Color Diagnostics, LLC DBA Color Health
Classification: Pathogenic for Hereditary cancer-predisposing syndrome. Last evaluated: 2024-01-02. Review status: criteria provided, single submitter. Criteria: ACMG Guidelines, 2015. Collection method: clinical testing. Allele origin: germline.
Comment: This variant changes 1 nucleotide in exon 10/12 of the SMAD4 gene, creating a premature translation stop signal. This variant is expected to result in an absent or non-functional protein product. This variant has been reported in individuals and families affected with juvenile polyposis syndrome (PMID: 10797267, 15235019, 22316667). This variant has not been identified in the general population by the Genome Aggregation Database (gnomAD). Loss of SMAD4 function is a known mechanism of disease. Based on the available evidence, this variant is classified as Pathogenic.

Department of Clinical Biochemistry, Naestved Hospital
Classification: Tier II - Potential for Colorectal cancer. Assertion type: prognostic. Clinical significance: better outcome. Last evaluated: 2024-10-10. Review status: no assertion criteria provided. Collection method: research. Allele origin: somatic.

GeneReviews
No classification provided. Condition: Generalized juvenile polyposis/juvenile polyposis coli. Review status: no classification provided. Collection method: literature only. Allele origin: unknown. Not counted in ClinVar's aggregate classification.

Literature cited by the submitters: PubMed 16152648 (cited by Labcorp Genetics (formerly Invitae), Labcorp); PubMed 16436638 (cited by Labcorp Genetics (formerly Invitae), Labcorp); PubMed 22810475 (cited by Labcorp Genetics (formerly Invitae), Labcorp); PubMed 10797267 (cited by 3 submitters); PubMed 22316667 (cited by 4 submitters); PubMed 12417513 (cited by Ambry Genetics); PubMed 15235019 (cited by Color Diagnostics, LLC DBA Color Health and GeneReviews); PubMed 20301642 (cited by GeneReviews); NCBI Bookshelf NBK1469 (cited by GeneReviews).

NM_005359.6(SMAD4):c.1162C>T (p.Gln388Ter)

Gene: SMAD4 (SMAD family member 4; plus strand). Cytogenetic location: 18q21.2.
Variant type: single nucleotide variant.
Coding change: c.1162C>T on transcript NM_005359.6 (MANE Select); coding-DNA position 1162, C replaced by T.
Protein change: p.Gln388Ter; replaces glutamine 388 with a stop codon.
Molecular consequence: nonsense.
Genome position (GRCh38, 1-based): chr18:51,067,041, C>T. VCF-style: chr18-51067041-C-T. GRCh37 (hg19) VCF-style: chr18-48593411-C-T.
Other names: short protein forms Q388*.
Identifiers: ClinVar variation 24842 (VCV000024842.13), dbSNP rs80338964, ClinGen allele CA342589.